The following is an entry in ClinVar:

ClinVar aggregate classification (germline): Likely benign. Review status: criteria provided, multiple submitters, no conflicts (2 of 4 stars). 2 submissions from 2 submitters: Likely benign (2). Last evaluated 2026-01-20.

Conditions:
Fanconi anemia (FA). Also called: Fanconi's anemia. Identifiers: Orphanet 84, MedGen C0015625, MeSH D005199, MONDO:0019391.

Allele frequency attached by ClinVar (database versions not stated): gnomAD 0.00001; TOPMed 0.00002.
gnomAD v4.1: 9 of 1,613,704 alleles (0.00056%); highest among the groups gnomAD compares: Admixed American, 0.0017%; no homozygotes.

Submissions (2):

Labcorp Genetics (formerly Invitae), Labcorp
Classification: Likely benign for Fanconi anemia. Last evaluated: 2026-01-20. Review status: criteria provided, single submitter. Criteria: Invitae Variant Classification Sherloc (09022015). Collection method: clinical testing. Allele origin: germline.

GeneDx
Classification: Likely benign. Last evaluated: 2016-12-23. Review status: criteria provided, single submitter. Criteria: GeneDx Variant Classification (06012015). Collection method: clinical testing. Allele origin: germline. Affected: yes.
Comment: This variant is considered likely benign or benign based on one or more of the following criteria: it is a conservative change, it occurs at a poorly conserved position in the protein, it is predicted to be benign by multiple in silico algorithms, and/or has population frequency not consistent with disease.

NM_000136.3(FANCC):c.844-14T>C

Genes: AOPEP (aminopeptidase O (putative); plus strand), FANCC (FA complementation group C; minus strand). Cytogenetic location: 9q22.32.
Variant type: single nucleotide variant.
Coding change: c.844-14T>C on transcript NM_000136.3 (MANE Select); 14 bases into the intron before coding-DNA position 844, T replaced by C.
Molecular consequence: intron variant.
Genome position (GRCh38, 1-based): chr9:95,126,595, A>G on the plus strand (T>C on the coding strand, the complement: FANCC is on the minus strand). VCF-style: chr9-95126595-A-G. GRCh37 (hg19) VCF-style: chr9-97888877-A-G.
Other names: c.844-14T>C (NM_001243743.2, NM_001243744.2).
Identifiers: ClinVar variation 377845 (VCV000377845.8), dbSNP rs759280421, ClinGen allele CA5137616.